The following is an entry in ClinVar:

ClinVar aggregate classification (germline): Conflicting classifications of pathogenicity. Review status: criteria provided, conflicting classifications (1 of 4 stars). 3 submissions from 3 submitters: Uncertain significance (2); Benign (1). Last evaluated 2023-11-20.

Conditions:
Cardiomyopathy (CMYO). Also called: Cardiomyopathies. Identifiers: Orphanet 167848, MedGen C0878544, MONDO:0004994, HP:0001638. Inheritance: Various modes of inheritance.
Catecholaminergic polymorphic ventricular tachycardia 1. Also called: VENTRICULAR TACHYCARDIA, STRESS-INDUCED POLYMORPHIC 1; VENTRICULAR TACHYCARDIA, CATECHOLAMINERGIC POLYMORPHIC, 1, WITH OR WITHOUT ATRIAL DYSFUNCTION AND/OR DILATED CARDIOMYOPATHY; RYR2-Related Catecholaminergic Polymorphic Ventricular Tachycardia. Identifiers: Orphanet 3286, MedGen C1631597, MONDO:0011484, OMIM 604772.
Catecholaminergic polymorphic ventricular tachycardia (CVPT). Also called: Catecholamine-induced polymorphic ventricular tachycardia. Identifiers: Orphanet 3286, MedGen C5574922, MONDO:0017990.

gnomAD v4.1: 4 of 1,602,386 alleles (0.00025%); highest among the groups gnomAD compares: Admixed American, 0.0034%; no homozygotes.

Submissions (3):

All of Us Research Program, National Institutes of Health
Classification: Uncertain significance for Catecholaminergic polymorphic ventricular tachycardia. Last evaluated: 2023-11-20. Review status: criteria provided, single submitter. Criteria: ACMG Guidelines, 2015. Collection method: clinical testing. Allele origin: germline. Inheritance: Autosomal dominant inheritance. Observed: 1 variant allele, 1 heterozygote.
Comment: This missense variant replaces glutamine with lysine at codon 2958 of the RYR2 protein. Computational prediction is inconclusive regarding the impact of this variant on protein structure and function (internally defined REVEL score threshold 0.5 < inconclusive < 0.7, PMID: 27666373). To our knowledge, functional studies have not been reported for this variant. This variant has not been reported in individuals affected with RYR2-related disorders in the literature. This variant has been identified in 2/242724 chromosomes in the general population by the Genome Aggregation Database (gnomAD). The available evidence is insufficient to determine the role of this variant in disease conclusively. Therefore, this variant is classified as a Variant of Uncertain Significance.

This study involves interpretation of variants in research participants for the purpose of population health screening. Participant phenotype was not available at the time of variant classification. Additional details can be found in publication PMID: 35346344, PMCID: PMC8962531

Color Diagnostics, LLC DBA Color Health
Classification: Uncertain significance for Cardiomyopathy. Last evaluated: 2023-11-02. Review status: criteria provided, single submitter. Criteria: ACMG Guidelines, 2015. Collection method: clinical testing. Allele origin: germline.
Comment: This missense variant replaces glutamine with lysine at codon 2958 of the RYR2 protein. Computational prediction is inconclusive regarding the impact of this variant on protein structure and function (internally defined REVEL score threshold 0.5 < inconclusive < 0.7, PMID: 27666373). To our knowledge, functional studies have not been reported for this variant. This variant has not been reported in individuals affected with RYR2-related disorders in the literature. This variant has been identified in 2/242724 chromosomes in the general population by the Genome Aggregation Database (gnomAD). The available evidence is insufficient to determine the role of this variant in disease conclusively. Therefore, this variant is classified as a Variant of Uncertain Significance.

Labcorp Genetics (formerly Invitae), Labcorp
Classification: Benign for Catecholaminergic polymorphic ventricular tachycardia 1. Last evaluated: 2022-12-06. Review status: criteria provided, single submitter. Criteria: Invitae Variant Classification Sherloc (09022015). Collection method: clinical testing. Allele origin: germline.

NM_001035.3(RYR2):c.8872C>A (p.Gln2958Lys)

Gene: RYR2 (ryanodine receptor 2; plus strand). Cytogenetic location: 1q43.
Variant type: single nucleotide variant.
Coding change: c.8872C>A on transcript NM_001035.3 (MANE Select); coding-DNA position 8872, C replaced by A.
Protein change: p.Gln2958Lys; replaces glutamine 2958 with lysine.
Molecular consequence: missense variant.
Genome position (GRCh38, 1-based): chr1:237,678,089, C>A. VCF-style: chr1-237678089-C-A. GRCh37 (hg19) VCF-style: chr1-237841389-C-A.
Other names: short protein forms Q2958K.
Identifiers: ClinVar variation 2053293 (VCV002053293.6), dbSNP rs1444337902, ClinGen allele CA345403668.